The following is an entry in ClinVar:

NM_000069.3(CACNA1S):c.754C>A (p.Arg252Ser)

Gene: CACNA1S (calcium voltage-gated channel subunit alpha1 S; minus strand). Cytogenetic location: 1q32.1.
Variant type: single nucleotide variant.
Coding change: c.754C>A on transcript NM_000069.3 (MANE Select); coding-DNA position 754, C replaced by A.
Protein change: p.Arg252Ser; replaces arginine 252 with serine.
Molecular consequence: missense variant.
Genome position (GRCh38, 1-based): chr1:201,089,404, G>T on the plus strand (C>A on the coding strand, the complement: CACNA1S is on the minus strand). VCF-style: chr1-201089404-G-T. GRCh37 (hg19) VCF-style: chr1-201058532-G-T.
Other names: short protein forms R252S.
Identifiers: ClinVar variation 3386399 (VCV003386399.1).

ClinVar aggregate classification (germline): Uncertain significance (1 of 4 stars; one submission).

Conditions:
Malignant hyperthermia, susceptibility to, 5 (MHS5). Also called: CACNA1S-Related Malignant Hyperthermia Susceptibility. Identifiers: Orphanet 423, MedGen C1866077, MONDO:0011163, OMIM 601887.

gnomAD v4.1: 1 of 1,614,176 alleles (0.000062%); highest among the groups gnomAD compares: Non-Finnish European, 0.000085%; no homozygotes.

Submission:

All of Us Research Program, National Institutes of Health
Classification: Uncertain significance for Malignant hyperthermia, susceptibility to, 5. Last evaluated: 2024-07-29. Review status: criteria provided, single submitter. Criteria: ACMG Guidelines, 2015. Collection method: clinical testing. Allele origin: germline. Inheritance: Autosomal dominant inheritance. Observed: 1 variant allele, 1 heterozygote.
Comment: This missense variant replaces arginine with serine at codon 252 of the CACNA1S protein. Computational prediction suggests that this variant may have deleterious impact on protein structure and function (internally defined REVEL score threshold >= 0.7, PMID: 27666373). To our knowledge, functional studies have not been reported for this variant. This variant has not been reported in individuals affected with CACNA1S-related disorders in the literature. This variant has not been identified in the general population by the Genome Aggregation Database (gnomAD). The available evidence is insufficient to determine the role of this variant in disease conclusively. Therefore, this variant is classified as a Variant of Uncertain Significance.

This study involves interpretation of variants in research participants for the purpose of population health screening. Participant phenotype was not available at the time of variant classification. Additional details can be found in publication PMID: 35346344, PMCID: PMC8962531